The following is an entry in ClinVar:

NM_000038.6(APC):c.4929T>G (p.Cys1643Trp)

Gene: APC (APC regulator of Wnt signaling pathway; plus strand). Cytogenetic location: 5q22.2.
Variant type: single nucleotide variant.
Coding change: c.4929T>G on transcript NM_000038.6 (MANE Select); coding-DNA position 4929, T replaced by G.
Protein change: p.Cys1643Trp; replaces cysteine 1643 with tryptophan.
Molecular consequence: missense variant.
Genome position (GRCh38, 1-based): chr5:112,840,523, T>G. VCF-style: chr5-112840523-T-G. GRCh37 (hg19) VCF-style: chr5-112176220-T-G.
Other names: c.4854T>G, p.Cys1618Trp (NM_001354898.2); c.4845T>G, p.Cys1615Trp (NM_001354899.2); c.4806T>G, p.Cys1602Trp (NM_001354900.2); c.4752T>G, p.Cys1584Trp (NM_001354901.2, NM_001407453.1); c.4656T>G, p.Cys1552Trp (NM_001354902.2); c.4626T>G, p.Cys1542Trp (NM_001354903.2, NM_001407458.1, NM_001407459.1 and 1 more transcripts); c.4551T>G, p.Cys1517Trp (NM_001354904.2); c.4449T>G, p.Cys1483Trp (NM_001354905.2); and 12 more; short protein forms C1259W, C1514W, C1615W, C1661W, C1483W, C1560W, C1625W, C1633W.
Identifiers: ClinVar variation 2003064 (VCV002003064.10), dbSNP rs2149927660, ClinGen allele CA16032126.

ClinVar aggregate classification (germline): Uncertain significance. Review status: criteria provided, multiple submitters, no conflicts (2 of 4 stars). 4 submissions from 4 submitters: Uncertain significance (4). Last evaluated 2026-03-01.

Conditions:
Hereditary cancer-predisposing syndrome. Also called: Neoplastic Syndromes, Hereditary; Hereditary neoplastic syndrome; Hereditary Cancer Syndrome; Tumor predisposition. Identifiers: Orphanet 140162, MedGen C0027672, MeSH D009386, MONDO:0015356.
Familial adenomatous polyposis 1 (FAP1). Also called: FAMILIAL ADENOMATOUS POLYPOSIS 1, ATTENUATED; POLYPOSIS, ADENOMATOUS INTESTINAL. Identifiers: MedGen C2713442, MONDO:0021056, OMIM 175100. Disease mechanism: loss of function.

Submissions (4):

CeGaT Center for Human Genetics Tuebingen
Classification: Uncertain significance. Last evaluated: 2026-03-01. Review status: criteria provided, single submitter. Criteria: CeGaT Center For Human Genetics Tuebingen Variant Classification Criteria Version 2. Collection method: clinical testing. Allele origin: germline. Affected: yes. Observed: 1 variant allele.
Comment: APC: PM2, PP3, BP1

Ambry Genetics
Classification: Uncertain significance for Hereditary cancer-predisposing syndrome. Last evaluated: 2024-07-26. Review status: criteria provided, single submitter. Criteria: Ambry Variant Classification Scheme 2023. Collection method: clinical testing. Allele origin: germline.
Comment: The p.C1643W variant (also known as c.4929T>G), located in coding exon 15 of the APC gene, results from a T to G substitution at nucleotide position 4929. The cysteine at codon 1643 is replaced by tryptophan, an amino acid with highly dissimilar properties. This amino acid position is conserved. In addition, in silico predictors for this gene do not accurately predict pathogenicity. Based on the available evidence, the clinical significance of this variant remains unclear.

Labcorp Genetics (formerly Invitae), Labcorp
Classification: Uncertain significance for Familial adenomatous polyposis 1. Last evaluated: 2024-05-08. Review status: criteria provided, single submitter. Criteria: Invitae Variant Classification Sherloc (09022015). Collection method: clinical testing. Allele origin: germline.
Comment: This sequence change replaces cysteine, which is neutral and slightly polar, with tryptophan, which is neutral and slightly polar, at codon 1643 of the APC protein (p.Cys1643Trp). This variant is not present in population databases (gnomAD no frequency). This variant has not been reported in the literature in individuals affected with APC-related conditions. ClinVar contains an entry for this variant (Variation ID: 2003064). Advanced modeling of protein sequence and biophysical properties (such as structural, functional, and spatial information, amino acid conservation, physicochemical variation, residue mobility, and thermodynamic stability) performed at Invitae indicates that this missense variant is not expected to disrupt APC protein function with a negative predictive value of 95%. In summary, the available evidence is currently insufficient to determine the role of this variant in disease. Therefore, it has been classified as a Variant of Uncertain Significance.

Baylor Genetics
Classification: Uncertain significance for Familial adenomatous polyposis 1. Last evaluated: 2023-10-19. Review status: criteria provided, single submitter. Criteria: ACMG Guidelines, 2015. Collection method: clinical testing. Allele origin: unknown.